The following is an entry in ClinVar:

NM_001042517.2(DIAPH3):c.2872A>T (p.Ile958Phe)

Gene: DIAPH3 (diaphanous related formin 3; minus strand). Cytogenetic location: 13q21.2.
Variant type: single nucleotide variant.
Coding change: c.2872A>T on transcript NM_001042517.2 (MANE Select); coding-DNA position 2872, A replaced by T.
Protein change: p.Ile958Phe; replaces isoleucine 958 with phenylalanine.
Molecular consequence: missense variant.
Genome position (GRCh38, 1-based): chr13:59,833,262, T>A on the plus strand (A>T on the coding strand, the complement: DIAPH3 is on the minus strand). VCF-style: chr13-59833262-T-A. GRCh37 (hg19) VCF-style: chr13-60407396-T-A.
Other names: c.2839A>T, p.Ile947Phe (NM_001258366.2); c.2734A>T, p.Ile912Phe (NM_001258367.2); c.2662A>T, p.Ile888Phe (NM_001258368.2); c.2872A>T, p.Ile958Phe (NM_001258369.2); c.2083A>T, p.Ile695Phe (NM_030932.4); short protein forms I958F, I888F, I912F, I695F, I947F.
Identifiers: ClinVar variation 2775567 (VCV002775567.3), dbSNP rs761721396, ClinGen allele CA6996246.

ClinVar aggregate classification (germline): Uncertain significance (1 of 4 stars; one submission).

Allele frequency attached by ClinVar (database versions not stated): ExAC 0.00001.

Submission:

Labcorp Genetics (formerly Invitae), Labcorp
Classification: Uncertain significance. Last evaluated: 2023-10-13. Review status: criteria provided, single submitter. Criteria: Invitae Variant Classification Sherloc (09022015). Collection method: clinical testing. Allele origin: germline.
Comment: This sequence change replaces isoleucine, which is neutral and non-polar, with phenylalanine, which is neutral and non-polar, at codon 958 of the DIAPH3 protein (p.Ile958Phe). This variant is present in population databases (rs761721396, gnomAD 0.01%). This variant has not been reported in the literature in individuals affected with DIAPH3-related conditions. An algorithm developed to predict the effect of missense changes on protein structure and function (PolyPhen-2) suggests that this variant is likely to be tolerated. Algorithms developed to predict the effect of sequence changes on RNA splicing suggest that this variant may create or strengthen a splice site. In summary, the available evidence is currently insufficient to determine the role of this variant in disease. Therefore, it has been classified as a Variant of Uncertain Significance.